The following is an entry in ClinVar:

NM_000528.4(MAN2B1):c.1961_1962del (p.Asp654fs)

Gene: MAN2B1 (mannosidase alpha class 2B member 1; minus strand). Cytogenetic location: 19p13.13.
Variant type: Deletion.
Coding change: c.1961_1962del on transcript NM_000528.4 (MANE Select); coding-DNA positions 1961 to 1962, 2 bases deleted (AC; older notation c.1961_1962delAC).
Protein change: p.Asp654fs; shifts the reading frame from aspartic acid 654.
Molecular consequence: frameshift variant.
Genome position (GRCh38, 1-based): chr19:12,652,237-12,652,238, GT deleted on the plus strand (AC on the coding strand, the reverse complement: MAN2B1 is on the minus strand). VCF-style (leftmost placement, unchanged base first): chr19-12652236-GGT-G. GRCh37 (hg19) VCF-style: chr19-12763050-GGT-G.
Other names: c.1958_1959del, p.Asp653fs (NM_001173498.2); c.1964_1965del, p.Asp655fs (NM_001440570.1); short protein forms D653fs, D654fs, D655fs.
Identifiers: ClinVar variation 4814309 (VCV004814309.1).

ClinVar aggregate classification (germline): Likely pathogenic (1 of 4 stars; one submission).

Conditions:
Deficiency of alpha-mannosidase (MANSA). Also called: Alpha-Mannosidosis; Mannosidosis, alpha-, types I and II; LYSOSOMAL ALPHA-D-MANNOSIDASE DEFICIENCY. Identifiers: Orphanet 61, MedGen C0024748, MONDO:0009561, OMIM 248500.

Submission:

Natera, Inc.
Classification: Likely pathogenic for Alpha-mannosidosis. Last evaluated: 2024-07-01. Review status: criteria provided, single submitter. Criteria: Natera Variant Classification Schema (03/2026). Collection method: clinical testing. Allele origin: germline.
Comment: The c.1961_1962del variant in MAN2B1 is a frameshift variant predicted to shift the reading frame beginning at codon 654 and leads to a stop codon 80 codons downstream. This variant is expected to result in nonsense mediated decay, truncation, or a dysfunctional protein product. This variant is rare in the general population with a frequency below the threshold expected for the associated phenotype(s). Given the available evidence, this variant is classified as Likely Pathogenic.